The following is an entry in ClinVar:

NM_030958.3(SLCO5A1):c.1123C>T (p.Arg375Ter)

Gene: SLCO5A1 (solute carrier organic anion transporter family member 5A1; minus strand). Cytogenetic location: 8q13.3.
Variant type: single nucleotide variant.
Coding change: c.1123C>T on transcript NM_030958.3 (MANE Select); coding-DNA position 1123, C replaced by T.
Protein change: p.Arg375Ter; replaces arginine 375 with a stop codon.
Molecular consequence: nonsense.
Genome position (GRCh38, 1-based): chr8:69,755,559, G>A on the plus strand (C>T on the coding strand, the complement: SLCO5A1 is on the minus strand). VCF-style: chr8-69755559-G-A. GRCh37 (hg19) VCF-style: chr8-70667794-G-A.
Other names: c.1123C>T, p.Arg375Ter (NM_001146008.2, NM_001146009.1); short protein forms R375*.
Identifiers: ClinVar variation 1349961 (VCV001349961.6), dbSNP rs200135889, ClinGen allele CA4776651.

ClinVar aggregate classification (germline): Uncertain significance (1 of 4 stars; one submission).

Allele frequency attached by ClinVar (database versions not stated): gnomAD 0.00001 and 0.00003; gnomAD exomes 0.00001 and 0.00003; TOPMed 0.00003; ExAC 0.00006; ESP Exome Variant Server 0.00023; 1000 Genomes Project 30x 0.00031; 1000 Genomes Project 0.00040.
gnomAD v4.1: 15 of 1,613,760 alleles (0.00093%); highest among the groups gnomAD compares: Admixed American, 0.005%; no homozygotes.

Submission:

Labcorp Genetics (formerly Invitae), Labcorp
Classification: Uncertain significance. Last evaluated: 2025-04-11. Review status: criteria provided, single submitter. Criteria: Invitae Variant Classification Sherloc (09022015). Collection method: clinical testing. Allele origin: germline.
Comment: This sequence change creates a premature translational stop signal (p.Arg375*) in the SLCO5A1 gene. It is expected to result in an absent or disrupted protein product. However, the current clinical and genetic evidence is not sufficient to establish whether loss-of-function variants in SLCO5A1 cause disease. This variant is present in population databases (rs200135889, gnomAD 0.03%). This variant has not been reported in the literature in individuals affected with SLCO5A1-related conditions. ClinVar contains an entry for this variant (Variation ID: 1349961). In summary, the available evidence is currently insufficient to determine the role of this variant in disease. Therefore, it has been classified as a Variant of Uncertain Significance.